The following is an entry in ClinVar:

NM_000372.5(TYR):c.411C>A (p.Tyr137Ter)

Gene: TYR (tyrosinase; plus strand). Cytogenetic location: 11q14.3.
Variant type: single nucleotide variant.
Coding change: c.411C>A on transcript NM_000372.5 (MANE Select); coding-DNA position 411, C replaced by A.
Protein change: p.Tyr137Ter; replaces tyrosine 137 with a stop codon.
Molecular consequence: nonsense.
Genome position (GRCh38, 1-based): chr11:89,178,364, C>A. VCF-style: chr11-89178364-C-A. GRCh37 (hg19) VCF-style: chr11-88911532-C-A.
Other names: short protein forms Y137*.
Identifiers: ClinVar variation 4761543 (VCV004761543.1).

ClinVar aggregate classification (germline): Pathogenic (1 of 4 stars; one submission).

gnomAD v4.1: 1 of 1,614,104 alleles (0.000062%); highest among the groups gnomAD compares: Admixed American, 0.0017%; no homozygotes.

Submission:

Labcorp Genetics (formerly Invitae), Labcorp
Classification: Pathogenic. Last evaluated: 2025-10-11. Review status: criteria provided, single submitter. Criteria: Invitae Variant Classification Sherloc (09022015). Collection method: clinical testing. Allele origin: germline.
Comment: This sequence change creates a premature translational stop signal (p.Tyr137*) in the TYR gene. It is expected to result in an absent or disrupted protein product. Loss-of-function variants in TYR are known to be pathogenic (PMID: 23504663). This variant is present in population databases (no rsID available, gnomAD 0.003%). This variant has not been reported in the literature in individuals affected with TYR-related conditions. For these reasons, this variant has been classified as Pathogenic.

Literature cited by the submitters: PubMed 23504663.